The following is an entry in ClinVar:

ClinVar aggregate classification (germline): Uncertain significance. Review status: criteria provided, multiple submitters, no conflicts (2 of 4 stars). 2 submissions from 2 submitters: Uncertain significance (2). Last evaluated 2023-11-01.

Conditions:
Cardiovascular phenotype. Identifiers: MedGen CN230736.
Long QT syndrome (LQTS). Identifiers: MedGen C0023976, MeSH D008133, MONDO:0002442. Disease mechanism: loss of function. Inheritance: Various modes of inheritance.

Allele frequency attached by ClinVar (database versions not stated): TOPMed below 0.00001; ExAC 0.00001; gnomAD 0.00001; ESP Exome Variant Server 0.00008.
gnomAD v4.1: 5 of 1,614,020 alleles (0.00031%); highest among the groups gnomAD compares: Non-Finnish European, 0.00042%; no homozygotes.

Submissions (2):

Labcorp Genetics (formerly Invitae), Labcorp
Classification: Uncertain significance for Long QT syndrome. Last evaluated: 2023-11-01. Review status: criteria provided, single submitter. Criteria: Invitae Variant Classification Sherloc (09022015). Collection method: clinical testing. Allele origin: germline.
Comment: This sequence change replaces threonine, which is neutral and polar, with isoleucine, which is neutral and non-polar, at codon 1969 of the ANK2 protein (p.Thr1969Ile). This variant is present in population databases (rs148760530, gnomAD 0.0009%). This variant has not been reported in the literature in individuals affected with ANK2-related conditions. An algorithm developed to predict the effect of missense changes on protein structure and function (PolyPhen-2) suggests that this variant is likely to be tolerated. In summary, the available evidence is currently insufficient to determine the role of this variant in disease. Therefore, it has been classified as a Variant of Uncertain Significance.

Ambry Genetics
Classification: Uncertain significance for Cardiovascular phenotype. Last evaluated: 2023-09-22. Review status: criteria provided, single submitter. Criteria: Ambry Variant Classification Scheme 2023. Collection method: clinical testing. Allele origin: germline.

NM_001148.6(ANK2):c.5906C>T (p.Thr1969Ile)

Genes: ANK2 (ankyrin 2; plus strand), LOC126807136 (MED14-independent group 3 enhancer GRCh37_chr4:114274931-114276130; plus strand). Cytogenetic location: 4q26.
Variant type: single nucleotide variant.
Coding change: c.5906C>T on transcript NM_001148.6 (MANE Select); coding-DNA position 5906, C replaced by T.
Protein change: p.Thr1969Ile; replaces threonine 1969 with isoleucine.
Molecular consequence: missense variant. On other transcripts: intron variant (68).
Genome position (GRCh38, 1-based): chr4:113,354,524, C>T. VCF-style: chr4-113354524-C-T. GRCh37 (hg19) VCF-style: chr4-114275680-C-T.
Other names: c.1990+4275C>T (NM_001354279.2, NM_001354282.2); c.1975+4275C>T (NM_001354280.2); c.1954+4275C>T (NM_001354278.2, NM_001354281.2); c.826+4275C>T (NM_001386167.1); c.5672C>T, p.Thr1891Ile (NM_001386142.1); c.2306C>T, p.Thr769Ile (NM_001386166.1); c.6047C>T, p.Thr2016Ile (NM_001386174.1); c.6023C>T, p.Thr2008Ile (NM_001386175.1); and 35 more; short protein forms T769I, T1969I, T2008I, T2016I, T1891I.
Identifiers: ClinVar variation 2722773 (VCV002722773.4), dbSNP rs148760530, ClinGen allele CA3051326.